The following is an entry in ClinVar:

NM_004341.5(CAD):c.1181G>A (p.Arg394Gln)

Gene: CAD (carbamoyl-phosphate synthetase 2, aspartate transcarbamylase, and dihydroorotase; plus strand). Cytogenetic location: 2p23.3.
Variant type: single nucleotide variant.
Coding change: c.1181G>A on transcript NM_004341.5 (MANE Select); coding-DNA position 1181, G replaced by A.
Protein change: p.Arg394Gln; replaces arginine 394 with glutamine.
Molecular consequence: missense variant.
Genome position (GRCh38, 1-based): chr2:27,224,417, G>A. VCF-style: chr2-27224417-G-A. GRCh37 (hg19) VCF-style: chr2-27447285-G-A.
Other names: c.1181G>A, p.Arg394Gln (NM_001306079.2); c.1181G>A (NM_004341.3); short protein forms R394Q.
Identifiers: ClinVar variation 1495480 (VCV001495480.7), dbSNP rs775146460, ClinGen allele CA1572638.
Genomic context (GRCh38, chr2:27,224,417, plus strand): 5'-TGACTGAGCGCCTCTGTCCCCCTGGGATTCCCACTCCCGGCTCTGGACTTCCACCACCAC[G>A]AAAGGTTCTGATCCTGGGCTCAGGGGGCCTCTCCATTGGCCAAGCTGGAGAATTTGACTA-3'
Protein context (NP_004332.2, residues 384-404): PTPGSGLPPP[Arg394Gln]KVLILGSGGL

ClinVar aggregate classification (germline): Uncertain significance. Review status: criteria provided, multiple submitters, no conflicts (2 of 4 stars). 2 submissions from 2 submitters: Uncertain significance (2). Last evaluated 2024-12-31.

Conditions:
Inborn genetic diseases. Identifiers: MedGen C0950123, MeSH D030342.

Allele frequency attached by ClinVar (database versions not stated): ExAC 0.00001; gnomAD 0.00001; gnomAD exomes 0.00001 and 0.00002; TOPMed 0.00002.

Submissions (2):

Ambry Genetics
Classification: Uncertain significance for Inborn genetic diseases. Last evaluated: 2024-12-31. Review status: criteria provided, single submitter. Criteria: Ambry Variant Classification Scheme 2023. Collection method: clinical testing. Allele origin: germline.

Labcorp Genetics (formerly Invitae), Labcorp
Classification: Uncertain significance. Last evaluated: 2024-01-27. Review status: criteria provided, single submitter. Criteria: Invitae Variant Classification Sherloc (09022015). Collection method: clinical testing. Allele origin: germline.
Comment: This sequence change replaces arginine, which is basic and polar, with glutamine, which is neutral and polar, at codon 394 of the CAD protein (p.Arg394Gln). This variant is present in population databases (rs775146460, gnomAD 0.006%). This variant has not been reported in the literature in individuals affected with CAD-related conditions. ClinVar contains an entry for this variant (Variation ID: 1495480). Advanced modeling of protein sequence and biophysical properties (such as structural, functional, and spatial information, amino acid conservation, physicochemical variation, residue mobility, and thermodynamic stability) performed at Invitae indicates that this missense variant is not expected to disrupt CAD protein function with a negative predictive value of 80%. In summary, the available evidence is currently insufficient to determine the role of this variant in disease. Therefore, it has been classified as a Variant of Uncertain Significance.